The following is an entry in ClinVar:

ClinVar aggregate classification (germline): Uncertain significance. Review status: criteria provided, multiple submitters, no conflicts (2 of 4 stars). 7 submissions from 7 submitters: Uncertain significance (7). Last evaluated 2025-06-10.

Conditions:
Familial thoracic aortic aneurysm and aortic dissection (TAAD). Also called: Thoracic aortic aneurysms and dissections. Identifiers: Orphanet 91387, MedGen C4707243, MONDO:0019625.
Aortic aneurysm, familial thoracic 4 (AAT4). Also called: AORTIC ANEURYSM/AORTIC DISSECTION AND PATENT DUCTUS ARTERIOSUS. Identifiers: MedGen C1851504, MONDO:0007568, OMIM 132900.
Visceral myopathy 2. Identifiers: MedGen C5543466, MONDO:0859157, OMIM 619350.
Megacystis-microcolon-intestinal hypoperistalsis syndrome 2. Identifiers: MedGen C5543476, MONDO:0025708, OMIM 619351.

Allele frequency attached by ClinVar (database versions not stated): gnomAD exomes 0.00001 and 0.00002; TOPMed 0.00002; ExAC 0.00004.
gnomAD v4.1: 14 of 1,613,544 alleles (0.00087%); highest among the groups gnomAD compares: South Asian, 0.0055%; no homozygotes.

Submissions (7):

Ambry Genetics
Classification: Uncertain significance for Familial thoracic aortic aneurysm and aortic dissection. Last evaluated: 2025-06-10. Review status: criteria provided, single submitter. Criteria: Ambry Variant Classification Scheme 2023. Collection method: clinical testing. Allele origin: germline.
Comment: The p.G688S variant (also known as c.2062G>A), located in coding exon 16 of the MYH11 gene, results from a G to A substitution at nucleotide position 2062. The glycine at codon 688 is replaced by serine, an amino acid with similar properties. This amino acid position is highly conserved in available vertebrate species. In addition, this alteration is predicted to be deleterious by in silico analysis. Since supporting evidence is limited at this time, the clinical significance of this alteration remains unclear.

Color Diagnostics, LLC DBA Color Health
Classification: Uncertain significance for Familial thoracic aortic aneurysm and aortic dissection. Last evaluated: 2024-12-16. Review status: criteria provided, single submitter. Criteria: ACMG Guidelines, 2015. Collection method: clinical testing. Allele origin: germline.
Comment: This missense variant replaces glycine with serine at codon 695 of the MYH11 protein. Computational prediction suggests that this variant may have a deleterious impact on protein structure and function. To our knowledge, functional studies have not been reported for this variant. This variant has not been reported in individuals affected with MYH11-related disorders in the literature. This variant has been identified in 7/281778 chromosomes in the general population by the Genome Aggregation Database (gnomAD). The available evidence is insufficient to determine the role of this variant in disease conclusively. Therefore, this variant is classified as a Variant of Uncertain Significance.

Labcorp Genetics (formerly Invitae), Labcorp
Classification: Uncertain significance for Aortic aneurysm, familial thoracic 4. Last evaluated: 2024-12-03. Review status: criteria provided, single submitter. Criteria: Invitae Variant Classification Sherloc (09022015). Collection method: clinical testing. Allele origin: germline.
Comment: This sequence change replaces glycine, which is neutral and non-polar, with serine, which is neutral and polar, at codon 695 of the MYH11 protein (p.Gly695Ser). This variant is present in population databases (rs760793367, gnomAD 0.008%). This missense change has been observed in individual(s) with clinical features of MYH11-related conditions (internal data). ClinVar contains an entry for this variant (Variation ID: 568525). Invitae Evidence Modeling of protein sequence and biophysical properties (such as structural, functional, and spatial information, amino acid conservation, physicochemical variation, residue mobility, and thermodynamic stability) indicates that this missense variant is not expected to disrupt MYH11 protein function with a negative predictive value of 95%. In summary, the available evidence is currently insufficient to determine the role of this variant in disease. Therefore, it has been classified as a Variant of Uncertain Significance.

All of Us Research Program, National Institutes of Health
Classification: Uncertain significance for Familial thoracic aortic aneurysm and aortic dissection. Last evaluated: 2024-09-23. Review status: criteria provided, single submitter. Criteria: ACMG Guidelines, 2015. Collection method: clinical testing. Allele origin: germline. Inheritance: Autosomal dominant inheritance. Observed: 4 variant alleles, 4 heterozygotes.
Comment: This study involves interpretation of variants in research participants for the purpose of population health screening. Participant phenotype was not available at the time of variant classification. Additional details can be found in publication PMID: 35346344, PMCID: PMC8962531

Centre of Medical Genetics, University Hospital Muenster
Classification: Uncertain significance. Last evaluated: 2021-12-15. Review status: criteria provided, single submitter. Criteria: ACMG Guidelines, 2015. Collection method: clinical testing. Allele origin: unknown. Affected: yes. Observed: 1 variant allele, 1 heterozygote.
Comment: ACMG categories: PM1,PM2,PP3,BP1

Fulgent Genetics
Classification: Uncertain significance for Aortic aneurysm, familial thoracic 4; Visceral myopathy 2; Megacystis-microcolon-intestinal hypoperistalsis syndrome 2. Last evaluated: 2021-09-02. Review status: criteria provided, single submitter. Criteria: ACMG Guidelines, 2015. Collection method: clinical testing. Allele origin: unknown.

GeneDx
Classification: Uncertain significance. Last evaluated: 2019-11-27. Review status: criteria provided, single submitter. Criteria: GeneDx Variant Classification Process June 2021. Collection method: clinical testing. Allele origin: germline. Affected: yes.
Comment: Has not been previously published as pathogenic or benign to our knowledge; Reported in ClinVar as a variant of uncertain significance (ClinVar Variant ID# 568525; Landrum et al., 2016); In silico analysis, which includes protein predictors and evolutionary conservation, supports a deleterious effect

NM_002474.3(MYH11):c.2062G>A (p.Gly688Ser)

Gene: MYH11 (myosin heavy chain 11; minus strand). Cytogenetic location: 16p13.11.
Variant type: single nucleotide variant.
Coding change: c.2062G>A on transcript NM_002474.3 (MANE Select); coding-DNA position 2062, G replaced by A.
Protein change: p.Gly688Ser; replaces glycine 688 with serine.
Molecular consequence: missense variant.
Genome position (GRCh38, 1-based): chr16:15,748,165, C>T on the plus strand (G>A on the coding strand, the complement: MYH11 is on the minus strand). VCF-style: chr16-15748165-C-T. GRCh37 (hg19) VCF-style: chr16-15842022-C-T.
Other names: c.2083G>A, p.Gly695Ser (NM_001040113.2, NM_001040114.2); c.2062G>A, p.Gly688Ser (NM_022844.3); short protein forms G695S, G688S.
Identifiers: ClinVar variation 568525 (VCV000568525.20), dbSNP rs760793367, ClinGen allele CA7922394.